The following is an entry in ClinVar:

ClinVar aggregate classification (germline): Uncertain significance (1 of 4 stars; one submission).

Conditions:
Inborn genetic diseases. Identifiers: MedGen C0950123, MeSH D030342.

Allele frequency attached by ClinVar (database versions not stated): gnomAD exomes below 0.00001.
gnomAD v4.1: 1 of 1,613,966 alleles (0.000062%); highest among the groups gnomAD compares: Non-Finnish European, 0.000085%; no homozygotes.

Submission:

Ambry Genetics
Classification: Uncertain significance for Inborn genetic diseases. Last evaluated: 2023-12-29. Review status: criteria provided, single submitter. Criteria: Ambry Variant Classification Scheme 2023. Collection method: clinical testing. Allele origin: germline.
Comment: The p.D257V variant (also known as c.770A>T), located in coding exon 9 of the ERCC2 gene, results from an A to T substitution at nucleotide position 770. The aspartic acid at codon 257 is replaced by valine, an amino acid with highly dissimilar properties. This amino acid position is conserved. In addition, this alteration is predicted to be deleterious by in silico analysis. Since supporting evidence is limited at this time, the clinical significance of this alteration remains unclear.

NM_000400.4(ERCC2):c.770A>T (p.Asp257Val)

Gene: ERCC2 (ERCC excision repair 2, TFIIH core complex helicase subunit; minus strand). Cytogenetic location: 19q13.32.
Variant type: single nucleotide variant.
Coding change: c.770A>T on transcript NM_000400.4 (MANE Select); coding-DNA position 770, A replaced by T.
Protein change: p.Asp257Val; replaces aspartic acid 257 with valine.
Molecular consequence: missense variant.
Genome position (GRCh38, 1-based): chr19:45,364,280, T>A on the plus strand (A>T on the coding strand, the complement: ERCC2 is on the minus strand). VCF-style: chr19-45364280-T-A. GRCh37 (hg19) VCF-style: chr19-45867538-T-A.
Other names: c.698A>T, p.Asp233Val (NM_001130867.2); short protein forms D233V, D257V.
Identifiers: ClinVar variation 3231713 (VCV003231713.1), dbSNP rs2514031061, ClinGen allele CA406374143.
Genomic context (GRCh38, chr19:45,364,280, plus strand): 5'-CGTCCCCGGCCCCACCTGAGCACCGTCTTCTGCAGGGTCTCCAGGTTGCCCTGGCACCGG[T>A]CAAGGGTCCGGCGGGTGAGGTTGACGCTCATGGAGTCGATGCAGACGTTGTCTGGAGAAG-3'
Protein context (NP_000391.1, residues 247-267): MSVNLTRRTL[Asp257Val]RCQGNLETLQ